The following is an entry in ClinVar:

NM_001009944.3(PKD1):c.10820A>G (p.Lys3607Arg)

Genes: PKD1 (polycystin 1, transient receptor potential channel interacting; minus strand), PKD1-AS1 (PKD1 antisense RNA 1; plus strand). Cytogenetic location: 16p13.3.
Variant type: single nucleotide variant.
Coding change: c.10820A>G on transcript NM_001009944.3 (MANE Select); coding-DNA position 10820, A replaced by G.
Protein change: p.Lys3607Arg; replaces lysine 3607 with arginine.
Molecular consequence: missense variant.
Genome position (GRCh38, 1-based): chr16:2,093,812, T>C on the plus strand (A>G on the coding strand, the complement: PKD1 is on the minus strand). VCF-style: chr16-2093812-T-C. GRCh37 (hg19) VCF-style: chr16-2143813-T-C.
Other names: c.10817A>G, p.Lys3606Arg (NM_000296.4); short protein forms K3606R, K3607R.
Identifiers: ClinVar variation 4533234 (VCV004533234.1).
Genomic context (GRCh38, chr16:2,093,812, plus strand): 5'-GGCTTCAGAGGGGTCCCCCGTGATGGAGGCCTGTAGCCTACCCCTGGCAGCCCCCTCACC[T>C]TCAGTGGCTCCCAGCCGAGGAATGAGGCCAGGAAGCTGGCGCTGCTGGACAGGAGCCACG-3'
Protein context (NP_001009944.3, residues 3597-3617): LASFLGWEPL[Lys3607Arg]VLLEALYFSL

ClinVar aggregate classification (germline): Uncertain significance (1 of 4 stars; one submission).

Conditions:
Polycystic kidney disease, adult type (PKD1). Also called: Polycystic Kidney, Autosomal Dominant; POLYCYSTIC KIDNEY DISEASE, ADULT, TYPE I; Polycystic Kidney Disease 1, Autosomal Dominant; Polycystic kidney disease 1; Polycystic kidney disease 1, severe; POLYCYSTIC KIDNEY DISEASE 1 WITH OR WITHOUT POLYCYSTIC LIVER DISEASE. Identifiers: MedGen C3149841, MONDO:0008263, OMIM 173900.

Submission:

Juno Genomics, Hangzhou Juno Genomics, Inc
Classification: Uncertain significance for Polycystic kidney disease, adult type. Review status: criteria provided, single submitter. Criteria: ACMG Guidelines, 2015. Collection method: clinical testing. Allele origin: germline. Affected: yes.
Comment: Absent from controls (or at extremely low frequency if recessive) in Genome Aggregation Database, Exome Sequencing Project, 1000 Genomes Project, or Exome Aggregation Consortium.;Multiple lines of computational evidence support a deleterious effect on the gene or gene product (conservation, evolutionary, splicing impact, etc).;Patient's phenotype or family history is highly specific for a disease with a single genetic etiology.